The following is an entry in ClinVar:

NM_203447.4(DOCK8):c.1441G>A (p.Asp481Asn)

Gene: DOCK8 (dedicator of cytokinesis 8; plus strand). Cytogenetic location: 9p24.3.
Variant type: single nucleotide variant.
Coding change: c.1441G>A on transcript NM_203447.4 (MANE Select); coding-DNA position 1441, G replaced by A.
Protein change: p.Asp481Asn; replaces aspartic acid 481 with asparagine.
Molecular consequence: missense variant.
Genome position (GRCh38, 1-based): chr9:339,024, G>A. VCF-style: chr9-339024-G-A. GRCh37 (hg19) VCF-style: chr9-339024-G-A.
Other names: c.1237G>A, p.Asp413Asn (NM_001190458.2, NM_001193536.2); short protein forms D481N, D413N.
Identifiers: ClinVar variation 366675 (VCV000366675.14), dbSNP rs374938180, ClinGen allele CA4957741.

ClinVar aggregate classification (germline): Uncertain significance. Review status: criteria provided, multiple submitters, no conflicts (2 of 4 stars). 3 submissions from 3 submitters: Uncertain significance (3). Last evaluated 2025-09-28.

Conditions:
Hyper-IgE recurrent infection syndrome 3, autosomal recessive. Also called: HYPER-IgE SYNDROME 3, AUTOSOMAL RECESSIVE, WITH RECURRENT INFECTIONS; Autosomal recessive hyper-IgE syndrome due to ZNF341 deficiency. Identifiers: Orphanet 641368, MedGen C4748969, MONDO:0032654, OMIM 618282.
Inborn genetic diseases. Identifiers: MedGen C0950123, MeSH D030342.
Combined immunodeficiency due to DOCK8 deficiency (HIES2). Also called: HIES autosomal recessive; Hyper-IgE recurrent infection syndrome, autosomal recessive; HYPER-IgE RECURRENT INFECTION SYNDROME 2, AUTOSOMAL RECESSIVE; HYPER-IgE SYNDROME 2, AUTOSOMAL RECESSIVE, WITH RECURRENT INFECTIONS; DOCK8 Deficiency. Identifiers: Orphanet 217390, MedGen C4722305, MONDO:0009478, OMIM 243700.

Allele frequency attached by ClinVar (database versions not stated): gnomAD 0.00001 and 0.00002; ExAC 0.00002; gnomAD exomes 0.00002 and 0.00003; TOPMed 0.00002; ESP Exome Variant Server 0.00008.

Submissions (3):

Ambry Genetics
Classification: Uncertain significance for Inborn genetic diseases. Last evaluated: 2025-09-28. Review status: criteria provided, single submitter. Criteria: Ambry Variant Classification Scheme 2023. Collection method: clinical testing. Allele origin: germline.

Labcorp Genetics (formerly Invitae), Labcorp
Classification: Uncertain significance for Combined immunodeficiency due to DOCK8 deficiency. Last evaluated: 2023-06-13. Review status: criteria provided, single submitter. Criteria: Invitae Variant Classification Sherloc (09022015). Collection method: clinical testing. Allele origin: germline.
Comment: In summary, the available evidence is currently insufficient to determine the role of this variant in disease. Therefore, it has been classified as a Variant of Uncertain Significance. Advanced modeling of protein sequence and biophysical properties (such as structural, functional, and spatial information, amino acid conservation, physicochemical variation, residue mobility, and thermodynamic stability) performed at Invitae indicates that this missense variant is expected to disrupt DOCK8 protein function. ClinVar contains an entry for this variant (Variation ID: 366675). This variant has not been reported in the literature in individuals affected with DOCK8-related conditions. This variant is present in population databases (rs374938180, gnomAD 0.003%). This sequence change replaces aspartic acid, which is acidic and polar, with asparagine, which is neutral and polar, at codon 481 of the DOCK8 protein (p.Asp481Asn).

Illumina Laboratory Services, Illumina
Classification: Uncertain significance for Combined immunodeficiency due to DOCK8 deficiency. Last evaluated: 2018-01-13. Review status: criteria provided, single submitter. Criteria: ICSL Variant Classification Criteria 13 December 2019. Collection method: clinical testing. Allele origin: germline.